The following is an entry in ClinVar:

ClinVar aggregate classification (germline): Uncertain significance (1 of 4 stars; one submission).

Submission:

GeneDx
Classification: Uncertain significance. Last evaluated: 2019-06-17. Review status: criteria provided, single submitter. Criteria: GeneDx Variant Classification Process June 2021. Collection method: clinical testing. Allele origin: germline. Affected: yes.
Comment: Not observed in large population cohorts (Lek et al., 2016); Frameshift variant predicted to result in protein truncation as the last 110 amino acids are lost and replaced with 7 incorrect amino acids, although loss-of-function variants have not been reported downstream of this position in the protein; Has not been previously published as pathogenic or benign to our knowledge; This variant is associated with the following publications: (PMID: 31981491)

NM_001330078.2(NRXN1):c.4191del (p.Cys1398fs)

Gene: NRXN1 (neurexin 1; minus strand). Cytogenetic location: 2p16.3.
Variant type: Deletion.
Coding change: c.4191del on transcript NM_001330078.2 (MANE Select); coding-DNA position 4191, one base deleted (C; older notation c.4191delC).
Protein change: p.Cys1398fs; shifts the reading frame from cysteine 1398.
Molecular consequence: frameshift variant.
Genome position (GRCh38, 1-based): chr2:49,943,729, G deleted on the plus strand (C on the coding strand, the reverse complement: NRXN1 is on the minus strand); the first of 4 consecutive G bases (chr2:49,943,729-49,943,732); deleting any one gives the same sequence. VCF-style (leftmost placement, unchanged base first): chr2-49943728-AG-A. GRCh37 (hg19) VCF-style: chr2-50170866-AG-A.
Other names: c.4311del, p.Cys1438fs (NM_001135659.3); c.96del, p.Cys33fs (NM_001320156.4, NM_001320157.4); c.4167del, p.Cys1390fs (NM_001330077.2, NM_001330082.2); c.4035del, p.Cys1346fs (NM_001330083.2); c.4125del, p.Cys1376fs (NM_001330084.2); c.4164del, p.Cys1389fs (NM_001330085.2); c.4191del, p.Cys1398fs (NM_001330086.2); c.3990del, p.Cys1331fs (NM_001330087.2, NM_001330096.2); and 7 more; short protein forms C1331fs, C1341fs, C1346fs, C1351fs, C1368fs, C1376fs, C1389fs, C1390fs.
Identifiers: ClinVar variation 1318486 (VCV001318486.2), dbSNP rs2104381471, ClinGen allele CA658765257.